The following is an entry in ClinVar:

NM_001039876.3(SYNE4):c.1020G>A (p.Glu340=)

Gene: SYNE4 (spectrin repeat containing nuclear envelope family member 4; minus strand). Cytogenetic location: 19q13.12.
Variant type: single nucleotide variant.
Coding change: c.1020G>A on transcript NM_001039876.3 (MANE Select); coding-DNA position 1020, G replaced by A.
Protein change: p.Glu340=; no amino-acid change (glutamic acid 340 retained).
Molecular consequence: synonymous variant.
Genome position (GRCh38, 1-based): chr19:36,003,624, C>T on the plus strand (G>A on the coding strand, the complement: SYNE4 is on the minus strand). VCF-style: chr19-36003624-C-T. GRCh37 (hg19) VCF-style: chr19-36494526-C-T.
Other names: c.681G>A, p.Glu227= (NM_001297735.3).
Identifiers: ClinVar variation 504814 (VCV000504814.19), dbSNP rs186898202, ClinGen allele CA9393773.

ClinVar aggregate classification (germline): Likely benign. Review status: criteria provided, multiple submitters, no conflicts (2 of 4 stars). 5 submissions from 5 submitters: Likely benign (4). 1 of the submissions does not count toward it. Last evaluated 2026-01-28.

Conditions:
SYNE4-related disorder. Also called: SYNE4-related condition.

Allele frequency attached by ClinVar (database versions not stated): TOPMed 0.00092; ESP Exome Variant Server 0.00097; 1000 Genomes Project 30x 0.00062; 1000 Genomes Project 0.00080; gnomAD 0.00080; gnomAD exomes 0.00080 and 0.00085; ExAC 0.00088.
gnomAD v4.1: 1,384 of 1,613,252 alleles (0.086%); highest among the groups gnomAD compares: Admixed American, 0.14%; 1 homozygote.

Submissions (5):

Labcorp Genetics (formerly Invitae), Labcorp
Classification: Likely benign. Last evaluated: 2026-01-28. Review status: criteria provided, single submitter. Criteria: Invitae Variant Classification Sherloc (09022015). Collection method: clinical testing. Allele origin: germline.

Blueprint Genetics
Classification: Likely benign. Last evaluated: 2024-09-30. Review status: criteria provided, single submitter. Criteria: ACMG Guidelines, 2015. Collection method: clinical testing. Allele origin: germline.

GeneDx
Classification: Likely benign. Last evaluated: 2020-11-27. Review status: criteria provided, single submitter. Criteria: GeneDx Variant Classification Process June 2021. Collection method: clinical testing. Allele origin: germline. Affected: yes.

Laboratory for Molecular Medicine, Mass General Brigham Personalized Medicine
Classification: Likely benign. Last evaluated: 2016-08-04. Review status: criteria provided, single submitter. Criteria: LMM Criteria. Collection method: clinical testing. Allele origin: germline. Observed: 4 variant alleles.
Comment: p.Glu340Glu in exon 7 of SYNE4: This variant is not expected to have clinical si gnificance because it does not alter an amino acid residue and is not located wi thin the splice consensus sequence. It has been identified in 0.1% (68/57658) of European chromosomes by the Exome Aggregation Consortium (ExAC; dbSNP rs186898202).

PreventionGenetics, part of Exact Sciences
Classification: Likely benign for SYNE4-related condition. Last evaluated: 2024-08-29. Review status: no assertion criteria provided. Collection method: clinical testing. Allele origin: germline. Not counted in ClinVar's aggregate classification.
Comment: This variant is classified as likely benign based on ACMG/AMP sequence variant interpretation guidelines (Richards et al. 2015 PMID: 25741868, with internal and published modifications).